The following is an entry in ClinVar:

ClinVar aggregate classification (germline): Uncertain significance. Review status: criteria provided, multiple submitters, no conflicts (2 of 4 stars). 2 submissions from 2 submitters: Uncertain significance (2). Last evaluated 2025-06-24.

Conditions:
Primary ciliary dyskinesia. Also called: Ciliary dyskinesia. Identifiers: Orphanet 244, MedGen C0008780, MONDO:0016575, HP:0012265.
Primary ciliary dyskinesia 23 (CILD23). Also called: CILIARY DYSKINESIA, PRIMARY, 23, WITH OR WITHOUT SITUS INVERSUS. Identifiers: Orphanet 244, MedGen C3809548, MONDO:0014193, OMIM 615451.

Allele frequency attached by ClinVar (database versions not stated): gnomAD exomes 0.00001 and below 0.00001; TOPMed 0.00001; gnomAD 0.00001.
gnomAD v4.1: 13 of 1,613,904 alleles (0.00081%); highest among the groups gnomAD compares: Non-Finnish European, 0.0011%; no homozygotes.

Submissions (2):

Ambry Genetics
Classification: Uncertain significance for Primary ciliary dyskinesia. Last evaluated: 2025-06-24. Review status: criteria provided, single submitter. Criteria: Ambry Variant Classification Scheme 2023. Collection method: clinical testing. Allele origin: germline.

Labcorp Genetics (formerly Invitae), Labcorp
Classification: Uncertain significance for Primary ciliary dyskinesia 23. Last evaluated: 2023-12-21. Review status: criteria provided, single submitter. Criteria: Invitae Variant Classification Sherloc (09022015). Collection method: clinical testing. Allele origin: germline.
Comment: This sequence change replaces glutamic acid, which is acidic and polar, with glycine, which is neutral and non-polar, at codon 786 of the ARMC4 protein (p.Glu786Gly). This variant is present in population databases (no rsID available, gnomAD 0.0009%). This variant has not been reported in the literature in individuals affected with ARMC4-related conditions. ClinVar contains an entry for this variant (Variation ID: 1681352). An algorithm developed to predict the effect of missense changes on protein structure and function (PolyPhen-2) suggests that this variant is likely to be disruptive. In summary, the available evidence is currently insufficient to determine the role of this variant in disease. Therefore, it has been classified as a Variant of Uncertain Significance.

NM_018076.5(ODAD2):c.2357A>G (p.Glu786Gly)

Gene: ODAD2 (outer dynein arm docking complex subunit 2; minus strand). Cytogenetic location: 10p12.1.
Variant type: single nucleotide variant.
Coding change: c.2357A>G on transcript NM_018076.5 (MANE Select); coding-DNA position 2357, A replaced by G.
Protein change: p.Glu786Gly; replaces glutamic acid 786 with glycine.
Molecular consequence: missense variant.
Genome position (GRCh38, 1-based): chr10:27,935,148, T>C on the plus strand (A>G on the coding strand, the complement: ODAD2 is on the minus strand). VCF-style: chr10-27935148-T-C. GRCh37 (hg19) VCF-style: chr10-28224077-T-C.
Other names: c.2357A>G, p.Glu786Gly (NM_001290020.2); c.932A>G, p.Glu311Gly (NM_001290021.2); c.1433A>G, p.Glu478Gly (NM_001312689.2); short protein forms E311G, E478G, E786G.
Identifiers: ClinVar variation 1681352 (VCV001681352.7), dbSNP rs1483019713, ClinGen allele CA376391488.